The following is an entry in ClinVar:

ClinVar aggregate classification (germline): Benign. Review status: criteria provided, multiple submitters, no conflicts (2 of 4 stars). 2 submissions from 2 submitters: Benign (2). Last evaluated 2026-01-17.

Conditions:
Corneal dystrophy. Identifiers: Orphanet 34533, MedGen C0010036, MONDO:0018102, HP:0001131.

Allele frequency attached by ClinVar (database versions not stated): gnomAD exomes 0.00539 and 0.01395; ESP Exome Variant Server 0.01610; ExAC 0.01691; gnomAD 0.02230 and 0.02232; TOPMed 0.02367; 1000 Genomes Project 30x 0.04013; 1000 Genomes Project 0.04034.

Submissions (37):

Labcorp Genetics (formerly Invitae), Labcorp
Classification: Benign. Last evaluated: 2026-01-17. Review status: criteria provided, single submitter. Criteria: Invitae Variant Classification Sherloc (09022015). Collection method: clinical testing. Allele origin: germline.

Illumina Laboratory Services, Illumina
Classification: Benign for Corneal dystrophy. Last evaluated: 2018-01-13. Review status: criteria provided, single submitter. Criteria: ICSL Variant Classification Criteria 13 December 2019. Collection method: clinical testing. Allele origin: germline.
Comment: This variant was observed in the ICSL laboratory as part of a predisposition screen in an ostensibly healthy population. It had not been previously curated by ICSL or reported in the Human Gene Mutation Database (HGMD: prior to June 1st, 2018), and was therefore a candidate for classification through an automated scoring system. Utilizing variant allele frequency, disease prevalence and penetrance estimates, and inheritance mode, an automated score was calculated to assess if this variant is too frequent to cause the disease. Based on the score and internal cut-off values, a variant classified as benign is not then subjected to further curation. The score for this variant resulted in a classification of benign for this disease.

Dr. Peter K. Rogan Lab, Western University
No classification provided (evidence only). Condition: Clear cell carcinoma of kidney. Review status: no classification provided. Collection method: in vitro. Allele origin: not applicable. Functional consequence: retained intron. Not counted in ClinVar's aggregate classification.

Dr. Peter K. Rogan Lab, Western University
No classification provided (evidence only). Condition: Clear cell carcinoma of kidney. Review status: no classification provided. Collection method: in vitro. Allele origin: not applicable. Functional consequence: retained intron. Not counted in ClinVar's aggregate classification.

Dr. Peter K. Rogan Lab, Western University
No classification provided (evidence only). Condition: Clear cell carcinoma of kidney. Review status: no classification provided. Collection method: in vitro. Allele origin: not applicable. Functional consequence: retained intron. Not counted in ClinVar's aggregate classification.

Dr. Peter K. Rogan Lab, Western University
No classification provided (evidence only). Condition: Lung cancer. Review status: no classification provided. Collection method: in vitro. Allele origin: not applicable. Functional consequence: retained intron. Not counted in ClinVar's aggregate classification.

Dr. Peter K. Rogan Lab, Western University
No classification provided (evidence only). Condition: Colon adenocarcinoma. Review status: no classification provided. Collection method: in vitro. Allele origin: not applicable. Functional consequence: retained intron. Not counted in ClinVar's aggregate classification.

Dr. Peter K. Rogan Lab, Western University
No classification provided (evidence only). Condition: Colon adenocarcinoma. Review status: no classification provided. Collection method: in vitro. Allele origin: not applicable. Functional consequence: retained intron. Not counted in ClinVar's aggregate classification.

Dr. Peter K. Rogan Lab, Western University
No classification provided (evidence only). Condition: Colon adenocarcinoma. Review status: no classification provided. Collection method: in vitro. Allele origin: not applicable. Functional consequence: retained intron. Not counted in ClinVar's aggregate classification.

Dr. Peter K. Rogan Lab, Western University
No classification provided (evidence only). Condition: Colon adenocarcinoma. Review status: no classification provided. Collection method: in vitro. Allele origin: not applicable. Functional consequence: retained intron. Not counted in ClinVar's aggregate classification.

Dr. Peter K. Rogan Lab, Western University
No classification provided (evidence only). Condition: Colon adenocarcinoma. Review status: no classification provided. Collection method: in vitro. Allele origin: not applicable. Functional consequence: retained intron. Not counted in ClinVar's aggregate classification.

Dr. Peter K. Rogan Lab, Western University
No classification provided (evidence only). Condition: Colorectal cancer. Review status: no classification provided. Collection method: in vitro. Allele origin: not applicable. Functional consequence: retained intron. Not counted in ClinVar's aggregate classification.

Dr. Peter K. Rogan Lab, Western University
No classification provided (evidence only). Condition: Thyroid cancer, nonmedullary, 1. Review status: no classification provided. Collection method: in vitro. Allele origin: not applicable. Functional consequence: retained intron. Not counted in ClinVar's aggregate classification.

Dr. Peter K. Rogan Lab, Western University
No classification provided (evidence only). Condition: Ovarian serous cystadenocarcinoma. Review status: no classification provided. Collection method: in vitro. Allele origin: not applicable. Functional consequence: retained intron. Not counted in ClinVar's aggregate classification.

Dr. Peter K. Rogan Lab, Western University
No classification provided (evidence only). Condition: Ovarian serous cystadenocarcinoma. Review status: no classification provided. Collection method: in vitro. Allele origin: not applicable. Functional consequence: retained intron. Not counted in ClinVar's aggregate classification.

Dr. Peter K. Rogan Lab, Western University
No classification provided (evidence only). Condition: Ovarian serous cystadenocarcinoma. Review status: no classification provided. Collection method: in vitro. Allele origin: not applicable. Functional consequence: retained intron. Not counted in ClinVar's aggregate classification.

Dr. Peter K. Rogan Lab, Western University
No classification provided (evidence only). Condition: Ovarian serous cystadenocarcinoma. Review status: no classification provided. Collection method: in vitro. Allele origin: not applicable. Functional consequence: retained intron. Not counted in ClinVar's aggregate classification.

Dr. Peter K. Rogan Lab, Western University
No classification provided (evidence only). Condition: Ovarian serous cystadenocarcinoma. Review status: no classification provided. Collection method: in vitro. Allele origin: not applicable. Functional consequence: retained intron. Not counted in ClinVar's aggregate classification.

Dr. Peter K. Rogan Lab, Western University
No classification provided (evidence only). Condition: Ovarian serous cystadenocarcinoma. Review status: no classification provided. Collection method: in vitro. Allele origin: not applicable. Functional consequence: retained intron. Not counted in ClinVar's aggregate classification.

Dr. Peter K. Rogan Lab, Western University
No classification provided (evidence only). Condition: Uterine carcinosarcoma. Review status: no classification provided. Collection method: in vitro. Allele origin: not applicable. Functional consequence: retained intron. Not counted in ClinVar's aggregate classification.

Dr. Peter K. Rogan Lab, Western University
No classification provided (evidence only). Condition: Malignant tumor of esophagus. Review status: no classification provided. Collection method: in vitro. Allele origin: not applicable. Functional consequence: retained intron. Not counted in ClinVar's aggregate classification.

Dr. Peter K. Rogan Lab, Western University
No classification provided (evidence only). Condition: Malignant tumor of esophagus. Review status: no classification provided. Collection method: in vitro. Allele origin: not applicable. Functional consequence: retained intron. Not counted in ClinVar's aggregate classification.

Dr. Peter K. Rogan Lab, Western University
No classification provided (evidence only). Condition: Malignant tumor of esophagus. Review status: no classification provided. Collection method: in vitro. Allele origin: not applicable. Functional consequence: retained intron. Not counted in ClinVar's aggregate classification.

Dr. Peter K. Rogan Lab, Western University
No classification provided (evidence only). Condition: Malignant tumor of esophagus. Review status: no classification provided. Collection method: in vitro. Allele origin: not applicable. Functional consequence: retained intron. Not counted in ClinVar's aggregate classification.

Dr. Peter K. Rogan Lab, Western University
No classification provided (evidence only). Condition: Malignant tumor of esophagus. Review status: no classification provided. Collection method: in vitro. Allele origin: not applicable. Functional consequence: retained intron. Not counted in ClinVar's aggregate classification.

Dr. Peter K. Rogan Lab, Western University
No classification provided (evidence only). Condition: Malignant tumor of esophagus. Review status: no classification provided. Collection method: in vitro. Allele origin: not applicable. Functional consequence: retained intron. Not counted in ClinVar's aggregate classification.

Dr. Peter K. Rogan Lab, Western University
No classification provided (evidence only). Condition: Malignant tumor of esophagus. Review status: no classification provided. Collection method: in vitro. Allele origin: not applicable. Functional consequence: retained intron. Not counted in ClinVar's aggregate classification.

Dr. Peter K. Rogan Lab, Western University
No classification provided (evidence only). Condition: Malignant tumor of esophagus. Review status: no classification provided. Collection method: in vitro. Allele origin: not applicable. Functional consequence: retained intron. Not counted in ClinVar's aggregate classification.

Dr. Peter K. Rogan Lab, Western University
No classification provided (evidence only). Condition: Malignant tumor of esophagus. Review status: no classification provided. Collection method: in vitro. Allele origin: not applicable. Functional consequence: retained intron. Not counted in ClinVar's aggregate classification.

Dr. Peter K. Rogan Lab, Western University
No classification provided (evidence only). Condition: Hepatocellular carcinoma. Review status: no classification provided. Collection method: in vitro. Allele origin: not applicable. Functional consequence: retained intron. Not counted in ClinVar's aggregate classification.

Dr. Peter K. Rogan Lab, Western University
No classification provided (evidence only). Condition: Hepatocellular carcinoma. Review status: no classification provided. Collection method: in vitro. Allele origin: not applicable. Functional consequence: retained intron. Not counted in ClinVar's aggregate classification.

Dr. Peter K. Rogan Lab, Western University
No classification provided (evidence only). Condition: Hepatocellular carcinoma. Review status: no classification provided. Collection method: in vitro. Allele origin: not applicable. Functional consequence: retained intron. Not counted in ClinVar's aggregate classification.

Dr. Peter K. Rogan Lab, Western University
No classification provided (evidence only). Condition: Hepatocellular carcinoma. Review status: no classification provided. Collection method: in vitro. Allele origin: not applicable. Functional consequence: retained intron. Not counted in ClinVar's aggregate classification.

Dr. Peter K. Rogan Lab, Western University
No classification provided (evidence only). Condition: Hepatocellular carcinoma. Review status: no classification provided. Collection method: in vitro. Allele origin: not applicable. Functional consequence: retained intron. Not counted in ClinVar's aggregate classification.

Dr. Peter K. Rogan Lab, Western University
No classification provided (evidence only). Condition: Hepatocellular carcinoma. Review status: no classification provided. Collection method: in vitro. Allele origin: not applicable. Functional consequence: retained intron. Not counted in ClinVar's aggregate classification.

Dr. Peter K. Rogan Lab, Western University
No classification provided (evidence only). Condition: Hepatocellular carcinoma. Review status: no classification provided. Collection method: in vitro. Allele origin: not applicable. Functional consequence: retained intron. Not counted in ClinVar's aggregate classification.

Dr. Peter K. Rogan Lab, Western University
No classification provided (evidence only). Condition: Ovarian cancer. Review status: no classification provided. Collection method: in vitro. Allele origin: not applicable. Functional consequence: retained intron. Not counted in ClinVar's aggregate classification.

NM_000358.3(TGFBI):c.1803G>A (p.Leu601=)

Gene: TGFBI (transforming growth factor beta induced; plus strand). Cytogenetic location: 5q31.1.
Variant type: single nucleotide variant.
Coding change: c.1803G>A on transcript NM_000358.3 (MANE Select); coding-DNA position 1803, G replaced by A.
Protein change: p.Leu601=; no amino-acid change (leucine 601 retained).
Molecular consequence: synonymous variant.
Genome position (GRCh38, 1-based): chr5:136,059,214, G>A. VCF-style: chr5-136059214-G-A. GRCh37 (hg19) VCF-style: chr5-135394903-G-A.
Identifiers: ClinVar variation 350894 (VCV000350894.10), dbSNP rs35151677, ClinGen allele CA3420520.